The following is an entry in ClinVar:

NM_001184.4(ATR):c.608A>C (p.Glu203Ala)

Gene: ATR (ATR checkpoint kinase; minus strand). Cytogenetic location: 3q23.
Variant type: single nucleotide variant.
Coding change: c.608A>C on transcript NM_001184.4 (MANE Select); coding-DNA position 608, A replaced by C.
Protein change: p.Glu203Ala; replaces glutamic acid 203 with alanine.
Molecular consequence: missense variant.
Genome position (GRCh38, 1-based): chr3:142,562,794, T>G on the plus strand (A>C on the coding strand, the complement: ATR is on the minus strand). VCF-style: chr3-142562794-T-G. GRCh37 (hg19) VCF-style: chr3-142281636-T-G.
Other names: c.608A>C, p.Glu203Ala (NM_001354579.2); short protein forms E203A.
Identifiers: ClinVar variation 3221240 (VCV003221240.1), dbSNP rs2473428704, ClinGen allele CA354826278.
Genomic context (GRCh38, chr3:142,562,794, plus strand): 5'-CTAAAAAACACAATTGCAATAATACGAGTAAGAACCATTAATAAAGTGACTTCAATAAAT[T>G]CTAAATTTTGCATACTCATCAACTGCAAAGGAGCTGATTGTAAATATCCCATGTGTTCAT-3'
Protein context (NP_001175.2, residues 193-213): PLQLMSMQNL[Glu203Ala]FIEVTLLMVL

ClinVar aggregate classification (germline): Uncertain significance (1 of 4 stars; one submission).

Conditions:
Inborn genetic diseases. Identifiers: MedGen C0950123, MeSH D030342.

Submission:

Ambry Genetics
Classification: Uncertain significance for Inborn genetic diseases. Last evaluated: 2023-12-24. Review status: criteria provided, single submitter. Criteria: Ambry Variant Classification Scheme 2023. Collection method: clinical testing. Allele origin: germline.
Comment: The p.E203A variant (also known as c.608A>C), located in coding exon 4 of the ATR gene, results from an A to C substitution at nucleotide position 608. The glutamic acid at codon 203 is replaced by alanine, an amino acid with dissimilar properties. This amino acid position is conserved. In addition, the in silico prediction for this alteration is inconclusive. Since supporting evidence is limited at this time, the clinical significance of this alteration remains unclear.